The following is an entry in ClinVar:

NM_001130438.3(SPTAN1):c.6661G>A (p.Ala2221Thr)

Gene: SPTAN1 (spectrin alpha, non-erythrocytic 1; plus strand). Cytogenetic location: 9q34.11.
Variant type: single nucleotide variant.
Coding change: c.6661G>A on transcript NM_001130438.3 (MANE Select); coding-DNA position 6661, G replaced by A.
Protein change: p.Ala2221Thr; replaces alanine 2221 with threonine.
Molecular consequence: missense variant.
Genome position (GRCh38, 1-based): chr9:128,627,470, G>A. VCF-style: chr9-128627470-G-A. GRCh37 (hg19) VCF-style: chr9-131389749-G-A.
Other names: c.6586G>A, p.Ala2196Thr (NM_001195532.2); c.6661G>A, p.Ala2221Thr (NM_001363759.2, NM_001375311.2, NM_001375313.1); c.6601G>A, p.Ala2201Thr (NM_001363765.2, NM_001375314.2); c.6748G>A, p.Ala2250Thr (NM_001375310.1); c.6697G>A, p.Ala2233Thr (NM_001375312.2, NM_001375318.1); c.6646G>A, p.Ala2216Thr (NM_003127.4); short protein forms A2233T, A2250T, A2196T, A2201T, A2216T, A2221T.
Identifiers: ClinVar variation 833965 (VCV000833965.18), dbSNP rs1858943245, ClinGen allele CA375092002.

ClinVar aggregate classification (germline): Conflicting classifications of pathogenicity. Review status: criteria provided, conflicting classifications (1 of 4 stars). 4 submissions from 4 submitters: Uncertain significance (3); Benign (1). Last evaluated 2026-03-01.

Conditions:
Developmental and epileptic encephalopathy, 5 (DEE5). Identifiers: Orphanet 3451, MedGen C3150731, MONDO:0013277, OMIM 613477.
Early-infantile DEE. Also called: Early infantile epileptic encephalopathy; Ohtahara syndrome; Early infantile epileptic encephalopathy with suppression bursts. Identifiers: Orphanet 1934, MedGen C0393706, MONDO:0800491.

Allele frequency attached by ClinVar (database versions not stated): TOPMed below 0.00001; gnomAD exomes 0.00001.
gnomAD v4.1: 15 of 1,551,182 alleles (0.00097%); highest among the groups gnomAD compares: South Asian, 0.0024%; no homozygotes.

Submissions (4):

CeGaT Center for Human Genetics Tuebingen
Classification: Uncertain significance. Last evaluated: 2026-03-01. Review status: criteria provided, single submitter. Criteria: CeGaT Center For Human Genetics Tuebingen Variant Classification Criteria Version 2. Collection method: clinical testing. Allele origin: germline. Affected: yes. Observed: 1 variant allele.
Comment: SPTAN1: PP2

Labcorp Genetics (formerly Invitae), Labcorp
Classification: Benign for Early-infantile DEE. Last evaluated: 2023-04-09. Review status: criteria provided, single submitter. Criteria: Invitae Variant Classification Sherloc (09022015). Collection method: clinical testing. Allele origin: germline.

Genome-Nilou Lab
Classification: Uncertain significance for Developmental and epileptic encephalopathy, 5. Last evaluated: 2021-07-15. Review status: criteria provided, single submitter. Criteria: ACMG Guidelines, 2015. Collection method: clinical testing. Allele origin: germline. Affected: no.

Baylor Genetics
Classification: Uncertain significance for Developmental and epileptic encephalopathy, 5. Last evaluated: 2019-09-07. Review status: criteria provided, single submitter. Criteria: ACMG Guidelines, 2015. Collection method: clinical testing. Allele origin: unknown. Affected: yes.
Comment: This variant was determined to be of uncertain significance according to ACMG Guidelines, 2015 [PMID:25741868].